The following is an entry in ClinVar:

NM_005263.5(GFI1):c.637A>G (p.Arg213Gly)

Gene: GFI1 (growth factor independent 1 transcriptional repressor; minus strand). Cytogenetic location: 1p22.1.
Variant type: single nucleotide variant.
Coding change: c.637A>G on transcript NM_005263.5 (MANE Select); coding-DNA position 637, A replaced by G.
Protein change: p.Arg213Gly; replaces arginine 213 with glycine.
Molecular consequence: missense variant.
Genome position (GRCh38, 1-based): chr1:92,480,750, T>C on the plus strand (A>G on the coding strand, the complement: GFI1 is on the minus strand). VCF-style: chr1-92480750-T-C. GRCh37 (hg19) VCF-style: chr1-92946307-T-C.
Other names: c.637A>G, p.Arg213Gly (NM_001127215.3, NM_001127216.3); short protein forms R213G.
Identifiers: ClinVar variation 4671587 (VCV004671587.1).

ClinVar aggregate classification (germline): Uncertain significance (1 of 4 stars; one submission).

Submission:

Ambry Genetics
Classification: Uncertain significance. Last evaluated: 2025-10-29. Review status: criteria provided, single submitter. Criteria: Ambry Variant Classification Scheme 2023. Collection method: clinical testing. Allele origin: germline.
Comment: The p.R213G variant (also known as c.637A>G), located in coding exon 3 of the GFI1 gene, results from an A to G substitution at nucleotide position 637. The arginine at codon 213 is replaced by glycine, an amino acid with dissimilar properties. This amino acid position is conserved. In addition, this alteration is predicted to be tolerated by in silico analysis. Based on the available evidence, the clinical significance of this variant remains unclear.